The following is an entry in ClinVar:

NM_001035.3(RYR2):c.3788C>T (p.Ser1263Leu)

Genes: RYR2 (ryanodine receptor 2; plus strand), LOC126806067 (BRD4-independent group 4 enhancer GRCh37_chr1:237753258-237754457; plus strand). Cytogenetic location: 1q43.
Variant type: single nucleotide variant.
Coding change: c.3788C>T on transcript NM_001035.3 (MANE Select); coding-DNA position 3788, C replaced by T.
Protein change: p.Ser1263Leu; replaces serine 1263 with leucine.
Molecular consequence: missense variant.
Genome position (GRCh38, 1-based): chr1:237,589,982, C>T. VCF-style: chr1-237589982-C-T. GRCh37 (hg19) VCF-style: chr1-237753282-C-T.
Other names: short protein forms S1263L.
Identifiers: ClinVar variation 4800069 (VCV004800069.1).

ClinVar aggregate classification (germline): Uncertain significance (1 of 4 stars; one submission).

Conditions:
Catecholaminergic polymorphic ventricular tachycardia 1. Also called: VENTRICULAR TACHYCARDIA, STRESS-INDUCED POLYMORPHIC 1; RYR2-Related Catecholaminergic Polymorphic Ventricular Tachycardia; VENTRICULAR TACHYCARDIA, CATECHOLAMINERGIC POLYMORPHIC, 1, WITH OR WITHOUT ATRIAL DYSFUNCTION AND/OR DILATED CARDIOMYOPATHY. Identifiers: Orphanet 3286, MedGen C1631597, MONDO:0011484, OMIM 604772.

Submission:

Labcorp Genetics (formerly Invitae), Labcorp
Classification: Uncertain significance for Catecholaminergic polymorphic ventricular tachycardia 1. Last evaluated: 2025-08-24. Review status: criteria provided, single submitter. Criteria: Invitae Variant Classification Sherloc (09022015). Collection method: clinical testing. Allele origin: germline.
Comment: This sequence change replaces serine, which is neutral and polar, with leucine, which is neutral and non-polar, at codon 1263 of the RYR2 protein (p.Ser1263Leu). This variant is not present in population databases (gnomAD no frequency). This variant has not been reported in the literature in individuals affected with RYR2-related conditions. Invitae Evidence Modeling of protein sequence and biophysical properties (such as structural, functional, and spatial information, amino acid conservation, physicochemical variation, residue mobility, and thermodynamic stability) indicates that this missense variant is not expected to disrupt RYR2 protein function with a negative predictive value of 95%. In summary, the available evidence is currently insufficient to determine the role of this variant in disease. Therefore, it has been classified as a Variant of Uncertain Significance.